The following is an entry in ClinVar:

ClinVar aggregate classification (germline): Uncertain significance (1 of 4 stars; one submission).

Submission:

Labcorp Genetics (formerly Invitae), Labcorp
Classification: Uncertain significance. Last evaluated: 2023-10-05. Review status: criteria provided, single submitter. Criteria: Invitae Variant Classification Sherloc (09022015). Collection method: clinical testing. Allele origin: germline.
Comment: This variant, c.1511_1513del, results in the deletion of 1 amino acid(s) of the REV3L protein (p.Gly504del), but otherwise preserves the integrity of the reading frame. The frequency data for this variant in the population databases is considered unreliable, as metrics indicate poor data quality at this position in the gnomAD database. This variant has not been reported in the literature in individuals affected with REV3L-related conditions. Experimental studies and prediction algorithms are not available or were not evaluated, and the functional significance of this variant is currently unknown. In summary, the available evidence is currently insufficient to determine the role of this variant in disease. Therefore, it has been classified as a Variant of Uncertain Significance.

NM_001372078.1(REV3L):c.1511_1513del (p.Gly504del)

Gene: REV3L (REV3 like, DNA directed polymerase zeta catalytic subunit; minus strand). Cytogenetic location: 6q21.
Variant type: Deletion.
Coding change: c.1511_1513del on transcript NM_001372078.1 (MANE Select); coding-DNA positions 1511 to 1513, 3 bases deleted (GAG; older notation c.1511_1513delGAG).
Protein change: p.Gly504del; deletes glycine 504.
Molecular consequence: inframe deletion.
Genome position (GRCh38, 1-based): chr6:111,377,785-111,377,787, CTC deleted on the plus strand (GAG on the coding strand, the reverse complement: REV3L is on the minus strand); deleting any 3 consecutive bases within chr6:111,377,785-111,377,789 gives the same sequence; the c. name uses the placement nearest the transcript's 3' end. VCF-style (leftmost placement, unchanged base first): chr6-111377784-TCTC-T. GRCh37 (hg19) VCF-style: chr6-111698987-TCTC-T.
Other names: c.1277_1279del, p.Gly426del (NM_001286431.2, NM_001286432.2); c.1511_1513del, p.Gly504del (NM_002912.5); short protein forms G426del, G504del.
Identifiers: ClinVar variation 2758700 (VCV002758700.3), dbSNP rs1562220043, ClinGen allele CA569618802.
Genomic context (GRCh38, chr6:111,377,784, plus strand): 5'-TCTAACTGAGGTATAGAAAGACTGGCTAGAAGCAAACTGTTATCACTCCATTCCATTTCT[TCTC>T]CTGAAGATGAGTCATCATCTTCAGTTGAACTTCTGTGGGTATTTCTGCACAGTGATCTGG-3'